The following is an entry in ClinVar:

NM_000020.3(ACVRL1):c.931dup (p.Ala311fs)

Gene: ACVRL1 (activin A receptor like type 1; plus strand). Cytogenetic location: 12q13.13.
Variant type: Duplication.
Coding change: c.931dup on transcript NM_000020.3 (MANE Select); coding-DNA position 931, one base duplicated (G; older notation c.931dupG).
Protein change: p.Ala311fs; shifts the reading frame from alanine 311.
Molecular consequence: frameshift variant.
Genome position (GRCh38, 1-based): chr12:51,915,383, G duplicated; the last of 2 consecutive G bases (chr12:51,915,382-51,915,383); duplicating either gives the same sequence. VCF-style (leftmost placement, unchanged base first): chr12-51915381-T-TG. GRCh37 (hg19) VCF-style: chr12-52309165-T-TG.
Other names: c.931dup, p.Ala311fs (NM_001077401.2); short protein forms A311fs.
Identifiers: ClinVar variation 1460036 (VCV001460036.6), dbSNP rs2139073551, ClinGen allele CA2573148783.

ClinVar aggregate classification (germline): Pathogenic (1 of 4 stars; one submission).

Conditions:
Telangiectasia, hereditary hemorrhagic, type 2 (HHT2). Also called: ACVRL1-Related Hereditary Hemorrhagic Telangiectasia; Telangiectasia, hereditary hemorrhagic, type II. Identifiers: Orphanet 774, MedGen C1838163, MONDO:0010880, OMIM 600376. Disease mechanism: loss of function.

Submission:

Labcorp Genetics (formerly Invitae), Labcorp
Classification: Pathogenic for Telangiectasia, hereditary hemorrhagic, type 2. Last evaluated: 2021-08-18. Review status: criteria provided, single submitter. Criteria: Invitae Variant Classification Sherloc (09022015). Collection method: clinical testing. Allele origin: germline.
Comment: For these reasons, this variant has been classified as Pathogenic. This variant has not been reported in the literature in individuals affected with ACVRL1-related conditions. This variant is not present in population databases (ExAC no frequency). This sequence change creates a premature translational stop signal (p.Ala311Glyfs*81) in the ACVRL1 gene. It is expected to result in an absent or disrupted protein product. Loss-of-function variants in ACVRL1 are known to be pathogenic (PMID: 15879500).

Literature cited by the submitters: PubMed 15879500.